The following is an entry in ClinVar:

ClinVar aggregate classification (germline): Likely benign. Review status: criteria provided, multiple submitters, no conflicts (2 of 4 stars). 2 submissions from 2 submitters: Likely benign (2). Last evaluated 2025-06-01.

Allele frequency attached by ClinVar (database versions not stated): gnomAD exomes 0.00006 and 0.00022; ExAC 0.00007; gnomAD 0.00011 and 0.00013; TOPMed 0.00012; ESP Exome Variant Server 0.00015.
gnomAD v4.1: 359 of 1,613,418 alleles (0.022%); highest among the groups gnomAD compares: Non-Finnish European, 0.027%; no homozygotes.

Submissions (2):

CeGaT Center for Human Genetics Tuebingen
Classification: Likely benign. Last evaluated: 2025-06-01. Review status: criteria provided, single submitter. Criteria: CeGaT Center For Human Genetics Tuebingen Variant Classification Criteria Version 2. Collection method: clinical testing. Allele origin: germline. Affected: yes. Observed: 1 variant allele.
Comment: PIK3R5: BP4, BP7

Labcorp Genetics (formerly Invitae), Labcorp
Classification: Likely benign. Last evaluated: 2018-06-27. Review status: criteria provided, single submitter. Criteria: Invitae Variant Classification Sherloc (09022015). Collection method: clinical testing. Allele origin: germline.

NM_001142633.3(PIK3R5):c.1035C>T (p.Ser345=)

Gene: PIK3R5 (phosphoinositide-3-kinase regulatory subunit 5; minus strand). Cytogenetic location: 17p13.1.
Variant type: single nucleotide variant.
Coding change: c.1035C>T on transcript NM_001142633.3 (MANE Select); coding-DNA position 1035, C replaced by T.
Protein change: p.Ser345=; no amino-acid change (serine 345 retained).
Molecular consequence: synonymous variant. On other transcripts: 5 prime UTR variant (8).
Genome position (GRCh38, 1-based): chr17:8,888,752, G>A on the plus strand (C>T on the coding strand, the complement: PIK3R5 is on the minus strand). VCF-style: chr17-8888752-G-A. GRCh37 (hg19) VCF-style: chr17-8792069-G-A.
Other names: c.-124C>T (NM_001251851.2, NM_001251852.2, NM_001251853.2 and 5 more transcripts); c.1035C>T, p.Ser345= (NM_001388396.1, NM_014308.4).
Identifiers: ClinVar variation 755865 (VCV000755865.11), dbSNP rs377395679, ClinGen allele CA8380621.